The following is an entry in ClinVar:

ClinVar aggregate classification (germline): Pathogenic. Review status: criteria provided, multiple submitters, no conflicts (2 of 4 stars). 2 submissions from 2 submitters: Pathogenic (2). Last evaluated 2025-06-27.

Conditions:
Hereditary cancer-predisposing syndrome. Also called: Hereditary neoplastic syndrome; Hereditary Cancer Syndrome; Neoplastic Syndromes, Hereditary; Tumor predisposition. Identifiers: Orphanet 140162, MedGen C0027672, MeSH D009386, MONDO:0015356.
Familial adenomatous polyposis 1 (FAP1). Also called: POLYPOSIS, ADENOMATOUS INTESTINAL; FAMILIAL ADENOMATOUS POLYPOSIS 1, ATTENUATED. Identifiers: MedGen C2713442, MONDO:0021056, OMIM 175100. Disease mechanism: loss of function.

Submissions (2):

Ambry Genetics
Classification: Pathogenic for Hereditary cancer-predisposing syndrome. Last evaluated: 2025-06-27. Review status: criteria provided, single submitter. Criteria: Ambry Variant Classification Scheme 2023. Collection method: clinical testing. Allele origin: germline.
Comment: The p.K523* pathogenic mutation (also known as c.1567A>T), located in coding exon 12 of the APC gene, results from an A to T substitution at nucleotide position 1567. This changes the amino acid from a lysine to a stop codon within coding exon 12. This variant is considered to be rare based on population cohorts in the Genome Aggregation Database (gnomAD). This alteration is expected to result in loss of function by premature protein truncation or nonsense-mediated mRNA decay. As such, this alteration is interpreted as a disease-causing mutation.

Myriad Genetics, Inc.
Classification: Pathogenic for Familial adenomatous polyposis 1. Last evaluated: 2023-02-13. Review status: criteria provided, single submitter. Criteria: Myriad Autosomal Dominant, Autosomal Recessive and X-Linked Classification Criteria (2023). Collection method: clinical testing. Allele origin: unknown.
Comment: This variant is considered pathogenic. This variant creates a termination codon and is predicted to result in premature protein truncation.

NM_000038.6(APC):c.1567A>T (p.Lys523Ter)

Gene: APC (APC regulator of Wnt signaling pathway; plus strand). Cytogenetic location: 5q22.2.
Variant type: single nucleotide variant.
Coding change: c.1567A>T on transcript NM_000038.6 (MANE Select); coding-DNA position 1567, A replaced by T.
Protein change: p.Lys523Ter; replaces lysine 523 with a stop codon.
Molecular consequence: nonsense.
Genome position (GRCh38, 1-based): chr5:112,827,947, A>T. VCF-style: chr5-112827947-A-T. GRCh37 (hg19) VCF-style: chr5-112163644-A-T.
Other names: c.1567A>T, p.Lys523Ter (NM_001127510.3, NM_001354895.2, NM_001407450.1); c.1513A>T, p.Lys505Ter (NM_001127511.3); c.1621A>T, p.Lys541Ter (NM_001354896.2, NM_001407447.1, NM_001407448.1 and 1 more transcripts); c.1597A>T, p.Lys533Ter (NM_001354897.2); c.1492A>T, p.Lys498Ter (NM_001354898.2); c.1483A>T, p.Lys495Ter (NM_001354899.2); c.1444A>T, p.Lys482Ter (NM_001354900.2); c.1390A>T, p.Lys464Ter (NM_001354901.2, NM_001407453.1); and 12 more; short protein forms K139*, K240*, K363*, K394*, K397*, K422*, K432*, K440*.
Identifiers: ClinVar variation 2573326 (VCV002573326.2), dbSNP rs1763872744, ClinGen allele CA16024731.